The following is an entry in ClinVar:

ClinVar aggregate classification (germline): Uncertain significance (1 of 4 stars; one submission).

Conditions:
Intellectual developmental disorder, autosomal dominant 47. Also called: MENTAL RETARDATION, AUTOSOMAL DOMINANT 47; Intellectual disability, autosomal dominant 47. Identifiers: Orphanet 502434, MedGen C4539951, MONDO:0030912, OMIM 617635.

Submission:

OLLIN Analises Genomicas, OLLIN
Classification: Uncertain significance for Intellectual developmental disorder, autosomal dominant 47. Last evaluated: 2026-08-06. Review status: criteria provided, single submitter. Criteria: ACMG Guidelines 2015 PMID 25741868. Collection method: clinical testing. Allele origin: germline. Inheritance: Autosomal dominant inheritance.
Comment: This missense variant, located in exon 19 (of 34), is absent from gnomAD and ClinVar and has not been identified in the literature. In silico analysis predicts that this variant has a tolerated effect. This gene is constrained for missense variation. According to the currently available evidence, this variant has been classified as uncertain significance (PM2_P, PP2, BP4).

NM_005862.3(STAG1):c.1973G>T (p.Arg658Leu)

Gene: STAG1 (STAG1 cohesin complex component; minus strand). Cytogenetic location: 3q22.3.
Variant type: single nucleotide variant.
Coding change: c.1973G>T on transcript NM_005862.3 (MANE Select); coding-DNA position 1973, G replaced by T.
Protein change: p.Arg658Leu; replaces arginine 658 with leucine.
Molecular consequence: missense variant.
Genome position (GRCh38, 1-based): chr3:136,422,474, C>A on the plus strand (G>T on the coding strand, the complement: STAG1 is on the minus strand). VCF-style: chr3-136422474-C-A. GRCh37 (hg19) VCF-style: chr3-136141316-C-A.
Other names: short protein forms R658L.
Identifiers: ClinVar variation 5002709 (VCV005002709.1).